The following is an entry in ClinVar:

ClinVar aggregate classification (germline): Likely benign (0 of 4 stars; one submission).

Conditions:
ANGPTL4-related disorder. Also called: ANGPTL4-related condition.

Allele frequency attached by ClinVar (database versions not stated): TOPMed 0.00002; gnomAD 0.00028; gnomAD exomes 0.00036; 1000 Genomes Project 30x 0.00109; 1000 Genomes Project 0.00120; ExAC 0.00255.
gnomAD v4.1: 550 of 1,566,318 alleles (0.035%); highest among the groups gnomAD compares: South Asian, 0.61%; 6 homozygotes.

Submission:

PreventionGenetics, part of Exact Sciences
Classification: Likely benign for ANGPTL4-related condition. Last evaluated: 2019-07-01. Review status: no assertion criteria provided. Collection method: clinical testing. Allele origin: germline.
Comment: This variant is classified as likely benign based on ACMG/AMP sequence variant interpretation guidelines (Richards et al. 2015 PMID: 25741868, with internal and published modifications).

NM_139314.3(ANGPTL4):c.201C>G (p.Ser67Arg)

Gene: ANGPTL4 (angiopoietin like 4; plus strand). Cytogenetic location: 19p13.2.
Variant type: single nucleotide variant.
Coding change: c.201C>G on transcript NM_139314.3 (MANE Select); coding-DNA position 201, C replaced by G.
Protein change: p.Ser67Arg; replaces serine 67 with arginine.
Molecular consequence: missense variant. On other transcripts: non-coding transcript variant (1).
Genome position (GRCh38, 1-based): chr19:8,364,522, C>G. VCF-style: chr19-8364522-C-G. GRCh37 (hg19) VCF-style: chr19-8429406-C-G.
Other names: c.201C>G, p.Ser67Arg (NM_001039667.3); short protein forms S67R.
Identifiers: ClinVar variation 3042507 (VCV003042507.2), dbSNP rs538554190, ClinGen allele CA9155865.
Genomic context (GRCh38, chr19:8,364,522, plus strand): 5'-ACTCCTGCAGCTCGGCCAGGGGCTGCGCGAACACGCGGAGCGCACCCGCAGTCAGCTGAG[C>G]GCGCTGGAGCGGCGCCTGAGCGCGTGCGGGTCCGCCTGTCAGGGAACCGAGGGGTCCACC-3'
Protein context (NP_647475.1, residues 57-77): EHAERTRSQL[Ser67Arg]ALERRLSACG